The following is an entry in ClinVar:

NM_015268.4(DNAJC13):c.3942G>A (p.Pro1314=)

Gene: DNAJC13 (DnaJ heat shock protein family (Hsp40) member C13; plus strand). Cytogenetic location: 3q22.1.
Variant type: single nucleotide variant.
Coding change: c.3942G>A on transcript NM_015268.4 (MANE Select); coding-DNA position 3942, G replaced by A.
Protein change: p.Pro1314=; no amino-acid change (proline 1314 retained).
Molecular consequence: synonymous variant.
Genome position (GRCh38, 1-based): chr3:132,495,088, G>A. VCF-style: chr3-132495088-G-A. GRCh37 (hg19) VCF-style: chr3-132213932-G-A.
Other names: c.3957G>A, p.Pro1319= (NM_001329126.2).
Identifiers: ClinVar variation 709668 (VCV000709668.10), dbSNP rs35658317, ClinGen allele CA2619421.
Genomic context (GRCh38, chr3:132,495,088, plus strand): 5'-TTGTAAATTATTTTTTCTTGTGCCTTACTATACTCATAAAACAATTTTCCTGTTTAACAG[G>A]CATGATGAGAGCAAGATTAGGAAAGCTTACTTCAGACTTGCACAAAAGTACCACCCTGAT-3'
Protein context (NP_056083.3, residues 1304-1324): EVLNLPQGQG[Pro1314=]HDESKIRKAY

ClinVar aggregate classification (germline): Benign/Likely benign. Review status: criteria provided, multiple submitters, no conflicts (2 of 4 stars). 6 submissions from 6 submitters: Benign (2); Likely benign (2). 2 of the submissions do not count toward it. Last evaluated 2026-04-01.

Allele frequency attached by ClinVar (database versions not stated): gnomAD 0.00467 and 0.00494; TOPMed 0.00535; 1000 Genomes Project 0.00599; 1000 Genomes Project 30x 0.00625; ESP Exome Variant Server 0.00646.
gnomAD v4.1: 1,603 of 1,612,414 alleles (0.099%); highest among the groups gnomAD compares: African/African-American, 1.7%; 10 homozygotes.

Submissions (6):

CeGaT Center for Human Genetics Tuebingen
Classification: Likely benign. Last evaluated: 2026-04-01. Review status: criteria provided, single submitter. Criteria: CeGaT Center For Human Genetics Tuebingen Variant Classification Criteria Version 2. Collection method: clinical testing. Allele origin: germline. Affected: yes. Observed: 1 variant allele.
Comment: DNAJC13: BP4, BP7, BS1

Blueprint Genetics
Classification: Likely benign. Last evaluated: 2024-11-12. Review status: criteria provided, single submitter. Criteria: ACMG Guidelines, 2015. Collection method: clinical testing. Allele origin: germline.

Labcorp Genetics (formerly Invitae), Labcorp
Classification: Benign. Last evaluated: 2019-12-31. Review status: criteria provided, single submitter. Criteria: Invitae Variant Classification Sherloc (09022015). Collection method: clinical testing. Allele origin: germline.

Breakthrough Genomics
Classification: Benign. Review status: criteria provided, single submitter. Criteria: ACMG Guidelines, 2015. Collection method: not provided. Allele origin: germline. Inheritance: Unknown mechanism. Affected: yes.

Clinical Genetics DNA and cytogenetics Diagnostics Lab, Erasmus MC, Erasmus Medical Center
Classification: Likely benign. Review status: no assertion criteria provided. Collection method: clinical testing. Allele origin: germline. Affected: yes. Study: VKGL Data-share Consensus. Not counted in ClinVar's aggregate classification.

Genome Diagnostics Laboratory, Amsterdam University Medical Center
Classification: Likely benign. Review status: no assertion criteria provided. Collection method: clinical testing. Allele origin: germline. Affected: yes. Study: VKGL Data-share Consensus. Not counted in ClinVar's aggregate classification.